The following is an entry in ClinVar:

NM_012330.4(KAT6B):c.1354C>T (p.Arg452Ter)

Gene: KAT6B (lysine acetyltransferase 6B; plus strand). Cytogenetic location: 10q22.2.
Variant type: single nucleotide variant.
Coding change: c.1354C>T on transcript NM_012330.4 (MANE Select); coding-DNA position 1354, C replaced by T.
Protein change: p.Arg452Ter; replaces arginine 452 with a stop codon.
Molecular consequence: nonsense. On other transcripts: intron variant (11).
Genome position (GRCh38, 1-based): chr10:74,975,691, C>T. VCF-style: chr10-74975691-C-T. GRCh37 (hg19) VCF-style: chr10-76735449-C-T.
Other names: c.1354C>T, p.Arg452Ter (NM_001256468.2, NM_001370136.1, NM_001370137.1 and 1 more transcripts); c.1117+237C>T (NM_001370139.1, NM_001370140.1, NM_001370141.1 and 3 more transcripts); c.846+5916C>T (NM_001370133.1); c.193-3533C>T (NM_001370134.1); c.929-1625C>T (NM_001370143.1, NM_001370144.1); c.193-13328C>T (NM_001370135.1); short protein forms R452*.
Identifiers: ClinVar variation 4082859 (VCV004082859.1).

ClinVar aggregate classification (germline): Uncertain significance (1 of 4 stars; one submission).

Submission:

GeneDx
Classification: Uncertain significance. Last evaluated: 2025-03-06. Review status: criteria provided, single submitter. Criteria: GeneDx Variant Classification Process June 2021. Collection method: clinical testing. Allele origin: germline. Affected: yes.
Comment: Nonsense variant predicted to result in protein truncation or nonsense mediated decay in a gene for which loss of function is a known mechanism of disease; Has not been previously published as pathogenic or benign to our knowledge